The following is an entry in ClinVar:

NM_001195263.2(PDZD7):c.167G>A (p.Arg56His)

Gene: PDZD7 (PDZ domain containing 7; minus strand). Cytogenetic location: 10q24.31.
Variant type: single nucleotide variant.
Coding change: c.167G>A on transcript NM_001195263.2 (MANE Select); coding-DNA position 167, G replaced by A.
Protein change: p.Arg56His; replaces arginine 56 with histidine.
Molecular consequence: missense variant.
Genome position (GRCh38, 1-based): chr10:101,030,053, C>T on the plus strand (G>A on the coding strand, the complement: PDZD7 is on the minus strand). VCF-style: chr10-101030053-C-T. GRCh37 (hg19) VCF-style: chr10-102789810-C-T.
Other names: c.167G>A, p.Arg56His (NM_001351044.2, NM_024895.5); short protein forms R56H.
Identifiers: ClinVar variation 1385083 (VCV001385083.6), dbSNP rs997674484, ClinGen allele CA378231268.
Genomic context (GRCh38, chr10:101,030,053, plus strand): 5'-CCTTCGATGGGGGAGTTGATGAGGATGACGCGTCCCATGGGCGATGAGGCTCGGATTCCG[C>T]GGGGGGGCCCGTTCAGCAGCCGTTGTTGCTTCCTTAGCAGGTATCGCGTTGCGGTGGAGC-3'
Protein context (NP_001182192.1, residues 46-66): KQQRLLNGPP[Arg56His]GIRASSPMGR

ClinVar aggregate classification (germline): Uncertain significance (1 of 4 stars; one submission).

Allele frequency attached by ClinVar (database versions not stated): gnomAD exomes below 0.00001.
gnomAD v4.1: 1 of 1,613,796 alleles (0.000062%); highest among the groups gnomAD compares: Non-Finnish European, 0.000085%; no homozygotes.

Submission:

Labcorp Genetics (formerly Invitae), Labcorp
Classification: Uncertain significance. Last evaluated: 2021-10-07. Review status: criteria provided, single submitter. Criteria: Invitae Variant Classification Sherloc (09022015). Collection method: clinical testing. Allele origin: germline.
Comment: In summary, the available evidence is currently insufficient to determine the role of this variant in disease. Therefore, it has been classified as a Variant of Uncertain Significance. Algorithms developed to predict the effect of missense changes on protein structure and function are either unavailable or do not agree on the potential impact of this missense change (SIFT: "Deleterious"; PolyPhen-2: "Not Available"; Align-GVGD: "Class C0"). This variant has not been reported in the literature in individuals affected with PDZD7-related conditions. This variant is not present in population databases (ExAC no frequency). This sequence change replaces arginine with histidine at codon 56 of the PDZD7 protein (p.Arg56His). The arginine residue is moderately conserved and there is a small physicochemical difference between arginine and histidine.